The following is an entry in ClinVar:

NM_000258.3(MYL3):c.499G>A (p.Asp167Asn)

Gene: MYL3 (myosin light chain 3; minus strand). Cytogenetic location: 3p21.31.
Variant type: single nucleotide variant.
Coding change: c.499G>A on transcript NM_000258.3 (MANE Select); coding-DNA position 499, G replaced by A.
Protein change: p.Asp167Asn; replaces aspartic acid 167 with asparagine.
Molecular consequence: missense variant.
Genome position (GRCh38, 1-based): chr3:46,858,444, C>T on the plus strand (G>A on the coding strand, the complement: MYL3 is on the minus strand). VCF-style: chr3-46858444-C-T. GRCh37 (hg19) VCF-style: chr3-46899934-C-T.
Other names: short protein forms D167N.
Identifiers: ClinVar variation 919850 (VCV000919850.10), dbSNP rs1701956074, ClinGen allele CA352495569.

ClinVar aggregate classification (germline): Uncertain significance. Review status: criteria provided, multiple submitters, no conflicts (2 of 4 stars). 4 submissions from 4 submitters: Uncertain significance (4). Last evaluated 2024-09-14.

Conditions:
Cardiovascular phenotype. Identifiers: MedGen CN230736.
Cardiomyopathy (CMYO). Also called: Cardiomyopathies. Identifiers: Orphanet 167848, MedGen C0878544, MONDO:0004994, HP:0001638. Inheritance: Various modes of inheritance.
Hypertrophic cardiomyopathy. Also called: HYPERTROPHIC MYOCARDIOPATHY. Identifiers: Orphanet 217569, MedGen C0007194, MeSH D002312, MONDO:0005045, HP:0001639.

Allele frequency attached by ClinVar (database versions not stated): gnomAD exomes below 0.00001.
gnomAD v4.1: 2 of 1,613,654 alleles (0.00012%); highest among the groups gnomAD compares: Non-Finnish European, 0.00017%; no homozygotes.

Submissions (4):

Ambry Genetics
Classification: Uncertain significance for Cardiovascular phenotype. Last evaluated: 2024-09-14. Review status: criteria provided, single submitter. Criteria: Ambry Variant Classification Scheme 2023. Collection method: clinical testing. Allele origin: germline.
Comment: The p.D167N variant (also known as c.499G>A), located in coding exon 5 of the MYL3 gene, results from a G to A substitution at nucleotide position 499. The aspartic acid at codon 167 is replaced by asparagine, an amino acid with highly similar properties. This amino acid position is not well conserved in available vertebrate species, and asparagine is the reference amino acid in other vertebrate species. In addition, this alteration is predicted to be tolerated by in silico analysis. Since supporting evidence is limited at this time, the clinical significance of this alteration remains unclear.

Blueprint Genetics
Classification: Uncertain significance. Last evaluated: 2024-08-29. Review status: criteria provided, single submitter. Criteria: ACMG Guidelines, 2015. Collection method: clinical testing. Allele origin: germline.

Color Diagnostics, LLC DBA Color Health
Classification: Uncertain significance for Cardiomyopathy. Last evaluated: 2024-03-06. Review status: criteria provided, single submitter. Criteria: ACMG Guidelines, 2015. Collection method: clinical testing. Allele origin: germline.
Comment: This missense variant replaces aspartic acid with asparagine at codon 167 of the MYL3 protein. Computational prediction suggests that this variant may not impact protein structure and function (internally defined REVEL score threshold <= 0.5, PMID: 27666373). To our knowledge, functional studies have not been reported for this variant. This variant has not been reported in individuals affected with MYL3-related disorders in the literature. This variant has not been identified in the general population by the Genome Aggregation Database (gnomAD). The available evidence is insufficient to determine the role of this variant in disease conclusively. Therefore, this variant is classified as a Variant of Uncertain Significance.

All of Us Research Program, National Institutes of Health
Classification: Uncertain significance for Hypertrophic cardiomyopathy. Last evaluated: 2023-11-20. Review status: criteria provided, single submitter. Criteria: ACMG Guidelines, 2015. Collection method: clinical testing. Allele origin: germline. Inheritance: Autosomal dominant inheritance. Observed: 1 variant allele, 1 heterozygote.
Comment: This missense variant replaces aspartic acid with asparagine at codon 167 of the MYL3 protein. Computational prediction suggests that this variant may not impact protein structure and function (internally defined REVEL score threshold <= 0.5, PMID: 27666373). To our knowledge, functional studies have not been reported for this variant. This variant has not been reported in individuals affected with cardiovascular disorders in the literature. This variant has not been identified in the general population by the Genome Aggregation Database (gnomAD). The available evidence is insufficient to determine the role of this variant in disease conclusively. Therefore, this variant is classified as a Variant of Uncertain Significance.

This study involves interpretation of variants in research participants for the purpose of population health screening. Participant phenotype was not available at the time of variant classification. Additional details can be found in publication PMID: 35346344, PMCID: PMC8962531